The following is an entry in ClinVar:

ClinVar aggregate classification (germline): Pathogenic (0 of 4 stars; one submission).

Conditions:
Cholestanol storage disease (CTX). Also called: CEREBRAL CHOLESTERINOSIS; Cerebrotendinous Xanthomatosis; CTX: Cerebrotendinous xanthomatosis. Identifiers: Orphanet 909, MedGen C0238052, MONDO:0008948, OMIM 213700.

Submission:

GeneReviews
Classification: Pathogenic for Cerebrotendinous Xanthomatosis. Last evaluated: 2013-08-01. Review status: no assertion criteria provided. Collection method: curation. Allele origin: unknown.
ClinVar note: Converted during submission from pathologic to Pathogenic.

NM_000784.4(CYP27A1):c.863del (p.Glu288fs)

Gene: CYP27A1 (cytochrome P450 family 27 subfamily A member 1; plus strand). Cytogenetic location: 2q35.
Variant type: Deletion.
Coding change: c.863del on transcript NM_000784.4 (MANE Select); coding-DNA position 863, one base deleted (A; older notation c.863delA).
Protein change: p.Glu288fs; shifts the reading frame from glutamic acid 288.
Molecular consequence: frameshift variant.
Genome position (GRCh38, 1-based): chr2:218,812,942, A deleted. VCF-style (leftmost placement, unchanged base first): chr2-218812941-GA-G. GRCh37 (hg19) VCF-style: chr2-219677664-GA-G.
Other names: c.863delA; short protein forms E288fs.
Identifiers: ClinVar variation 65910 (VCV000065910.3), dbSNP rs587778815, ClinGen allele CA345250.